The following is an entry in ClinVar:

ClinVar aggregate classification (germline): Uncertain significance. Review status: reviewed by expert panel (3 of 4 stars). 3 submissions from 3 submitters: Uncertain significance (1). 2 of the submissions do not count toward it. Last evaluated 2024-01-23.

Conditions:
Inborn genetic diseases. Identifiers: MedGen C0950123, MeSH D030342.
Severe combined immunodeficiency due to DCLRE1C deficiency (RS-SCID). Also called: SCID, AUTOSOMAL RECESSIVE, T CELL-NEGATIVE, B CELL-NEGATIVE, NK CELL-POSITIVE, WITH SENSITIVITY TO IONIZING RADIATION. Identifiers: Orphanet 275, MedGen C1865371, MONDO:0011225, OMIM 602450.

Allele frequency attached by ClinVar (database versions not stated): gnomAD 0.00003; TOPMed 0.00003; gnomAD exomes 0.00002; ExAC 0.00005.
gnomAD v4.1: 37 of 1,611,146 alleles (0.0023%); highest among the groups gnomAD compares: Non-Finnish European, 0.0031%; no homozygotes.

Submissions (3):

ClinGen Severe Combined Immunodeficiency Variant Curation Expert Panel, ClinGen
Classification: Uncertain significance for Severe combined immunodeficiency due to DCLRE1C deficiency. Last evaluated: 2024-01-23. Review status: reviewed by expert panel. Criteria: ClinGen SCID ACMG Specifications DCLRE1C V1.0.0. Collection method: curation. Allele origin: germline. Inheritance: Autosomal recessive inheritance.
Comment: The c.131C>A (NM_001033855.3) variant in DCLRE1C is a missense variant predicted to cause the substitution of Alanine by Aspartic Acid at amino acid 44 (p.Ala44Asp). The filtering allele frequency (the upper threshold of the 95% CI of 36/1177718) of the c.131C>A variant in DCLRE1C is 0.00002087 for European (non-Finnish) chromosomes by gnomAD v.4, which is lower than the ClinGen SCID VCEP threshold (<0.00003266) for PM2_Supporting, and therefore meets this criterion (PM2_Supporting). No homozygotes have been observed in gnomAD. To our knowledge, this variant has not been reported in the literature in individuals affected with DCLRE1C-related conditions or in functional studies. Due to insufficient evidence, this variant is classified as a variant of uncertain significance for autosomal recessive severe combined immunodeficiency due to DCLRE1C deficiency based on the ACMG/AMP criteria applied, as specified by the ClinGen SCID VCEP: PM2_Supporting (VCEP specifications version 1.0).

Ambry Genetics
Classification: Uncertain significance for Inborn genetic diseases. Last evaluated: 2025-10-17. Review status: criteria provided, single submitter. Criteria: Ambry Variant Classification Scheme 2023. Collection method: clinical testing. Allele origin: germline. Not counted in ClinVar's aggregate classification.

Labcorp Genetics (formerly Invitae), Labcorp
Classification: Uncertain significance for Athabaskan severe combined immunodeficiency. Last evaluated: 2022-07-12. Review status: criteria provided, single submitter. Criteria: Invitae Variant Classification Sherloc (09022015). Collection method: clinical testing. Allele origin: germline. Not counted in ClinVar's aggregate classification.
Comment: This sequence change replaces alanine, which is neutral and non-polar, with aspartic acid, which is acidic and polar, at codon 44 of the DCLRE1C protein (p.Ala44Asp). This variant is present in population databases (rs770015010, gnomAD 0.006%). This variant has not been reported in the literature in individuals affected with DCLRE1C-related conditions. Algorithms developed to predict the effect of missense changes on protein structure and function are either unavailable or do not agree on the potential impact of this missense change (SIFT: "Tolerated"; PolyPhen-2: "Probably Damaging"; Align-GVGD: "Class C0"). In summary, the available evidence is currently insufficient to determine the role of this variant in disease. Therefore, it has been classified as a Variant of Uncertain Significance.

NM_001033855.3(DCLRE1C):c.131C>A (p.Ala44Asp)

Gene: DCLRE1C (DNA cross-link repair 1C; minus strand). Cytogenetic location: 10p13.
Variant type: single nucleotide variant.
Coding change: c.131C>A on transcript NM_001033855.3 (MANE Select); coding-DNA position 131, C replaced by A.
Protein change: p.Ala44Asp; replaces alanine 44 with aspartic acid.
Molecular consequence: missense variant. On other transcripts: 5 prime UTR variant (7), non-coding transcript variant (4), intron variant (2).
Genome position (GRCh38, 1-based): chr10:14,949,066, G>T on the plus strand (C>A on the coding strand, the complement: DCLRE1C is on the minus strand). VCF-style: chr10-14949066-G-T. GRCh37 (hg19) VCF-style: chr10-14991065-G-T.
Other names: NM_001033855.3(DCLRE1C):c.131C>A; p.Ala44Asp; c.-683C>A (NM_001289079.2); c.131C>A, p.Ala44Asp (NM_001350965.2); c.-315C>A (NM_001350967.2, NM_001033857.3); c.-159C>A (NM_022487.4); c.-128-3877C>A (NM_001350966.2, NM_001289078.2); c.-637C>A (NM_001033858.3); and 2 more; short protein forms A44D.
Identifiers: ClinVar variation 2163795 (VCV002163795.5), dbSNP rs770015010, ClinGen allele CA5417011.